The following is an entry in ClinVar:

ClinVar aggregate classification (germline): Uncertain significance. Review status: reviewed by expert panel (3 of 4 stars). 3 submissions from 3 submitters: Uncertain significance (1). 2 of the submissions do not count toward it. Last evaluated 2022-06-30.

Conditions:
Mitochondrial disease. Also called: Mitochondrial disorder; Mitochondrial disorders. Identifiers: Orphanet 68380, MedGen C0751651, MeSH D028361, MONDO:0044970.
Exercise intolerance, cardiomyopathy, and septooptic dysplasia. Identifiers: MedGen C4016599.
Leigh syndrome (NULS). Also called: Leigh's necrotizing encephalopathy; Leigh's disease; Leigh's syndrome; LEIGH SYNDROME, NUCLEAR; Leigh Disease; Leigh Syndrome (mtDNA deletion). Identifiers: Orphanet 506, MedGen C2931891, MONDO:0009723, OMIM 256000.

Submissions (3):

ClinGen Mitochondrial Disease Nuclear and Mitochondrial  Variant Curation Expert Panel, ClinGen
Classification: Uncertain significance for Mitochondrial disease. Last evaluated: 2022-06-30. Review status: reviewed by expert panel. Criteria: clingen mito disease acmg specifications v1-1. Collection method: curation. Allele origin: germline. Inheritance: Mitochondrial inheritance.
Comment: The m.14849T>C (p.S35P) variant in MT-CYB has been reported in two unrelated men. The first reported individual had developmental delay, microcephaly, lactic acidosis and rhabdomyolysis with illness, short stature, dysdiadokinesia, ataxia, exercise intolerance, fatigue, Wolff-Parkinson-White, left ventricular hypertrophy, retinitis pigmentosa, septo-optic dysplasia, and cerebellar hypoplasia (PMID: 11891837) and the second reported individual had exercise intolerance, depressive episodes, and myopathy with ragged red fibers seen on muscle biopsy (PMID: 20544923). Both individuals had onset of features in childhood and heteroplasmy levels in various tissues ranged from 6-85%. Haplogroup information was not reported for all cases precluding consideration for PS4. The variant was reported de novo in the first case report as it was absent in mother’s blood (PMID: 11891837), however no additional tissues were tested and technology performed at the time of publication would not detect low heteroplasmy levels of the variant. There are no large families reported in the medical literature to consider for evidence of segregation. This variant is absent in the GenBank dataset, Helix dataset, and gnomAD v3.1.2 (PM2_supporting). There are no cybrid studies, single fiber studies, or other functional assays reported for this variant. The computational predictor APOGEE gives a consensus rating of pathogenic with a score of 0.74 (Min=0, Max=1), which predicts a damaging effect on gene function (PP3). In summary, this variant meets criteria to be classified as uncertain significance for primary mitochondrial disease inherited in a mitochondrial manner. This classification was approved by the NICHD/NINDS U24 Mitochondrial Disease Variant Curation Expert Panel on May 24, 2022. Mitochondrial DNA-specific ACMG/AMP criteria applied (PMID: 32906214): PM2_supporting, PP3.

Wong Mito Lab, Molecular and Human Genetics, Baylor College of Medicine
Classification: Uncertain significance for Leigh syndrome. Last evaluated: 2019-10-17. Review status: criteria provided, single submitter. Criteria: Modified ACMG Guidelines (Unpublished). Collection method: clinical testing. Allele origin: germline. Not counted in ClinVar's aggregate classification.
Comment: The NC_012920.1:m.14849T>C (YP_003024038.1:p.Ser35Pro) variant in MTCYB gene is interpretated to be a Uncertain Significance variant based on the modified ACMG guidelines (unpublished). This variant meets the following evidence codes: PP6, PP7

OMIM
Classification: Pathogenic for EXERCISE INTOLERANCE, CARDIOMYOPATHY, AND SEPTOOPTIC DYSPLASIA. Last evaluated: 2002-03-01. Review status: no assertion criteria provided. Collection method: literature only. Allele origin: germline. Not counted in ClinVar's aggregate classification.

Literature cited by the submitters: PubMed 11891837 (cited by OMIM).

NC_012920.1(MT-CYB):m.14849T>C

Gene: MT-CYB (mitochondrially encoded cytochrome b; plus strand).
Variant type: single nucleotide variant.
Genome position: chrM-14849-T-C.
Other names: MTCYB, 14849T-C, SER35PRO; S35P.
Identifiers: ClinVar variation 9685 (VCV000009685.4), dbSNP rs207460004, ClinGen allele CA120623.
Genomic context (GRCh38, chrMT:14,849, plus strand): 5'-AACCACTCATTCATCGACCTCCCCACCCCATCCAACATCTCCGCATGATGAAACTTCGGC[T>C]CACTCCTTGGCGCCTGCCTGATCCTCCAAATCACCACAGGACTATTCCTAGCCATGCACT-3'